The following is an entry in ClinVar:

NM_001103.4(ACTN2):c.2010C>T (p.Ala670=)

Gene: ACTN2 (actinin alpha 2; plus strand). Cytogenetic location: 1q43.
Variant type: single nucleotide variant.
Coding change: c.2010C>T on transcript NM_001103.4 (MANE Select); coding-DNA position 2010, C replaced by T.
Protein change: p.Ala670=; no amino-acid change (alanine 670 retained).
Molecular consequence: synonymous variant. On other transcripts: non-coding transcript variant (1).
Genome position (GRCh38, 1-based): chr1:236,755,054, C>T. VCF-style: chr1-236755054-C-T. GRCh37 (hg19) VCF-style: chr1-236918354-C-T.
Other names: c.2010C>T, p.Ala670= (NM_001278343.2); c.1386C>T, p.Ala462= (NM_001278344.2); c.1260C>T, p.Ala420= (NM_001412150.1); c.2010C>T (NM_001103.3).
Identifiers: ClinVar variation 2153580 (VCV002153580.5), dbSNP rs763133441, ClinGen allele CA1473325.

ClinVar aggregate classification (germline): Likely benign. Review status: criteria provided, multiple submitters, no conflicts (2 of 4 stars). 2 submissions from 2 submitters: Likely benign (2). Last evaluated 2025-04-09.

Conditions:
Primary familial hypertrophic cardiomyopathy (HCM). Identifiers: Orphanet 99739, MedGen C0949658, MeSH D024741, MONDO:0024573. Inheritance: Various modes of inheritance.
Dilated cardiomyopathy 1AA (CMD1AA). Also called: Cardiomyopathy, dilated, 1AA, with or without LVNC; CARDIOMYOPATHY, FAMILIAL HYPERTROPHIC, 23, WITH OR WITHOUT LEFT VENTRICULAR NONCOMPACTION; CARDIOMYOPATHY, DILATED, 1AA, WITH OR WITHOUT LEFT VENTRICULAR NONCOMPACTION. Identifiers: Orphanet 154, MedGen C2677338, MONDO:0012808, OMIM 612158.

Allele frequency attached by ClinVar (database versions not stated): ExAC 0.00001; gnomAD exomes 0.00001.
gnomAD v4.1: 9 of 1,614,218 alleles (0.00056%); highest among the groups gnomAD compares: East Asian, 0.0022%; no homozygotes.

Submissions (2):

Molecular Diagnostic Laboratory for Inherited Cardiovascular Disease, Montreal Heart Institute
Classification: Likely benign. Last evaluated: 2025-04-09. Review status: criteria provided, single submitter. Criteria: ACMG Guidelines, 2015. Collection method: clinical testing. Allele origin: germline. Affected: no.
Comment: BP6;BP7

Labcorp Genetics (formerly Invitae), Labcorp
Classification: Likely benign for Primary familial hypertrophic cardiomyopathy; Dilated cardiomyopathy 1AA. Last evaluated: 2023-10-17. Review status: criteria provided, single submitter. Criteria: Invitae Variant Classification Sherloc (09022015). Collection method: clinical testing. Allele origin: germline.